The following is an entry in ClinVar:

ClinVar aggregate classification (germline): Uncertain significance (1 of 4 stars; one submission).

Conditions:
Familial meningioma. Also called: Meningioma, familial, susceptibility to. Identifiers: Orphanet 263662, MedGen C3551915, MONDO:0011789, OMIM 607174.

Submission:

Labcorp Genetics (formerly Invitae), Labcorp
Classification: Uncertain significance for Familial meningioma. Last evaluated: 2021-09-23. Review status: criteria provided, single submitter. Criteria: Invitae Variant Classification Sherloc (09022015). Collection method: clinical testing. Allele origin: germline.
Comment: This sequence change replaces serine with arginine at codon 208 of the SMARCE1 protein (p.Ser208Arg). The serine residue is highly conserved and there is a moderate physicochemical difference between serine and arginine. This variant is not present in population databases (ExAC no frequency). This variant has not been reported in the literature in individuals affected with SMARCE1-related conditions. Algorithms developed to predict the effect of missense changes on protein structure and function are either unavailable or do not agree on the potential impact of this missense change (SIFT: "Deleterious"; PolyPhen-2: "Possibly Damaging"; Align-GVGD: "Class C0"). In summary, the available evidence is currently insufficient to determine the role of this variant in disease. Therefore, it has been classified as a Variant of Uncertain Significance.

NM_003079.5(SMARCE1):c.622A>C (p.Ser208Arg)

Gene: SMARCE1 (SWI/SNF related BAF chromatin remodeling complex subunit E1; minus strand). Cytogenetic location: 17q21.2.
Variant type: single nucleotide variant.
Coding change: c.622A>C on transcript NM_003079.5 (MANE Select); coding-DNA position 622, A replaced by C.
Protein change: p.Ser208Arg; replaces serine 208 with arginine.
Molecular consequence: missense variant.
Genome position (GRCh38, 1-based): chr17:40,632,287, T>G on the plus strand (A>C on the coding strand, the complement: SMARCE1 is on the minus strand). VCF-style: chr17-40632287-T-G. GRCh37 (hg19) VCF-style: chr17-38788539-T-G.
Other names: short protein forms S208R.
Identifiers: ClinVar variation 1382731 (VCV001382731.6), dbSNP rs2143988407, ClinGen allele CA399364733.